The following is an entry in ClinVar:

NC_000020.10:g.(?_13780796)_(13782242_?)del

Gene: NDUFAF5 (NADH:ubiquinone oxidoreductase complex assembly factor 5; plus strand). Cytogenetic location: 20p12.1.
Variant type: Deletion.
Identifiers: ClinVar variation 3248349 (VCV003248349.1).

ClinVar aggregate classification (germline): Likely pathogenic (1 of 4 stars; one submission).

Submission:

Labcorp Genetics (formerly Invitae), Labcorp
Classification: Likely pathogenic. Last evaluated: 2024-01-11. Review status: criteria provided, single submitter. Criteria: Invitae Variant Classification Sherloc (09022015). Collection method: clinical testing. Allele origin: unknown.
Comment: This variant results in the deletion of part of exon 7 (c.520-1336_630del) of the NDUFAF5 gene. It is expected to disrupt RNA splicing. Variants that disrupt the donor or acceptor splice site typically lead to a loss of protein function (PMID: 16199547), and loss-of-function variants in NDUFAF5 are known to be pathogenic (PMID: 26275793, 30473481, 32918965). This variant has not been reported in the literature in individuals affected with NDUFAF5-related conditions. In summary, the currently available evidence indicates that the variant is pathogenic, but additional data are needed to prove that conclusively. Therefore, this variant has been classified as Likely Pathogenic.

Literature cited by the submitters: PubMed 16199547; PubMed 26275793; PubMed 30473481; PubMed 32918965.